The following is an entry in ClinVar:

NM_032217.5(ANKRD17):c.6574_6575delinsCT (p.Ser2192Leu)

Gene: ANKRD17 (ankyrin repeat domain 17; minus strand). Cytogenetic location: 4q13.3.
Variant type: Indel.
Coding change: c.6574_6575delinsCT on transcript NM_032217.5 (MANE Select); coding-DNA positions 6574 to 6575, TC replaced by CT.
Protein change: p.Ser2192Leu; replaces serine 2192 with leucine.
Molecular consequence: missense variant.
Genome position (GRCh38, 1-based): chr4:73,091,053-73,091,054, GA replaced by AG on the plus strand (TC replaced by CT on the coding strand, the reverse complement: ANKRD17 is on the minus strand). VCF-style: chr4-73091053-GA-AG. GRCh37 (hg19) VCF-style: chr4-73956770-GA-AG.
Other names: c.6235_6236delinsCT, p.Ser2079Leu (NM_001286771.3); c.6571_6572delinsCT, p.Ser2191Leu (NM_015574.2); c.5821_5822delinsCT, p.Ser1941Leu (NM_198889.3); short protein forms S1941L, S2079L, S2191L, S2192L.
Identifiers: ClinVar variation 4281596 (VCV004281596.7).

ClinVar aggregate classification (germline): Uncertain significance (1 of 4 stars; one submission).

Submission:

CeGaT Center for Human Genetics Tuebingen
Classification: Uncertain significance. Last evaluated: 2025-09-01. Review status: criteria provided, single submitter. Criteria: CeGaT Center For Human Genetics Tuebingen Variant Classification Criteria Version 2. Collection method: clinical testing. Allele origin: germline. Affected: yes. Observed: 1 variant allele.
Comment: ANKRD17: PM2